The following is an entry in ClinVar:

ClinVar aggregate classification (germline): Uncertain significance (1 of 4 stars; one submission).

Submission:

CeGaT Center for Human Genetics Tuebingen
Classification: Uncertain significance. Last evaluated: 2025-02-01. Review status: criteria provided, single submitter. Criteria: CeGaT Center For Human Genetics Tuebingen Variant Classification Criteria Version 2. Collection method: clinical testing. Allele origin: germline. Affected: yes. Observed: 1 variant allele.
Comment: ZIC3: PM2, BP4

NM_001330661.1(ZIC3):c.1289G>T (p.Gly430Val)

Gene: ZIC3 (Zic family zinc finger 3; plus strand). Cytogenetic location: Xq26.3.
Variant type: single nucleotide variant.
Coding change: c.1289G>T on transcript NM_001330661.1; coding-DNA position 1289, G replaced by T.
Protein change: p.Gly430Val; replaces glycine 430 with valine.
Molecular consequence: missense variant.
Genome position (GRCh38, 1-based): chrX:137,577,186, G>T. VCF-style: chrX-137577186-G-T. GRCh37 (hg19) VCF-style: chrX-136659345-G-T.
Other names: short protein forms G430V.
Identifiers: ClinVar variation 3771150 (VCV003771150.13).